The following is an entry in ClinVar:

ClinVar aggregate classification (germline): Uncertain significance. Review status: criteria provided, multiple submitters, no conflicts (2 of 4 stars). 3 submissions from 3 submitters: Uncertain significance (3). Last evaluated 2026-08-21.

Conditions:
Aortic aneurysm, familial thoracic 4 (AAT4). Also called: AORTIC ANEURYSM/AORTIC DISSECTION AND PATENT DUCTUS ARTERIOSUS. Identifiers: MedGen C1851504, MONDO:0007568, OMIM 132900.
Familial thoracic aortic aneurysm and aortic dissection (TAAD). Also called: Thoracic aortic aneurysms and dissections. Identifiers: Orphanet 91387, MedGen C4707243, MONDO:0019625.

gnomAD v4.1: 3 of 1,614,084 alleles (0.00019%); highest among the groups gnomAD compares: Non-Finnish European, 0.00017%; no homozygotes.

Submissions (3):

Ambry Genetics
Classification: Uncertain significance for Familial thoracic aortic aneurysm and aortic dissection. Last evaluated: 2026-08-21. Review status: criteria provided, single submitter. Criteria: Ambry Variant Classification Scheme 2023. Collection method: clinical testing. Allele origin: germline.

All of Us Research Program, National Institutes of Health
Classification: Uncertain significance for Familial thoracic aortic aneurysm and aortic dissection. Last evaluated: 2023-04-27. Review status: criteria provided, single submitter. Criteria: ACMG Guidelines, 2015. Collection method: clinical testing. Allele origin: germline. Inheritance: Autosomal dominant inheritance. Observed: 1 variant allele, 1 heterozygote.
Comment: This study involves interpretation of variants in research participants for the purpose of population health screening. Participant phenotype was not available at the time of variant classification. Additional details can be found in publication PMID: 35346344, PMCID: PMC8962531

Labcorp Genetics (formerly Invitae), Labcorp
Classification: Uncertain significance for Aortic aneurysm, familial thoracic 4. Last evaluated: 2021-06-22. Review status: criteria provided, single submitter. Criteria: Invitae Variant Classification Sherloc (09022015). Collection method: clinical testing. Allele origin: germline.
Comment: In summary, the available evidence is currently insufficient to determine the role of this variant in disease. Therefore, it has been classified as a Variant of Uncertain Significance. Algorithms developed to predict the effect of missense changes on protein structure and function (SIFT, PolyPhen-2, Align-GVGD) all suggest that this variant is likely to be disruptive, but these predictions have not been confirmed by published functional studies and their clinical significance is uncertain. This variant has not been reported in the literature in individuals with MYH11-related conditions. This variant is not present in population databases (ExAC no frequency). This sequence change replaces serine with alanine at codon 617 of the MYH11 protein (p.Ser617Ala). The serine residue is highly conserved and there is a moderate physicochemical difference between serine and alanine.

NM_002474.3(MYH11):c.1828T>G (p.Ser610Ala)

Gene: MYH11 (myosin heavy chain 11; minus strand). Cytogenetic location: 16p13.11.
Variant type: single nucleotide variant.
Coding change: c.1828T>G on transcript NM_002474.3 (MANE Select); coding-DNA position 1828, T replaced by G.
Protein change: p.Ser610Ala; replaces serine 610 with alanine.
Molecular consequence: missense variant.
Genome position (GRCh38, 1-based): chr16:15,753,430, A>C on the plus strand (T>G on the coding strand, the complement: MYH11 is on the minus strand). VCF-style: chr16-15753430-A-C. GRCh37 (hg19) VCF-style: chr16-15847287-A-C.
Other names: c.1828T>G (NM_002474.2); c.1849T>G, p.Ser617Ala (NM_001040113.2, NM_001040114.2); c.1828T>G, p.Ser610Ala (NM_022844.3); short protein forms S610A, S617A.
Identifiers: ClinVar variation 1441120 (VCV001441120.10), dbSNP rs2151268922, ClinGen allele CA394869334.